The following is an entry in ClinVar:

ClinVar aggregate classification (germline): Pathogenic. Review status: criteria provided, multiple submitters, no conflicts (2 of 4 stars). 2 submissions from 2 submitters: Pathogenic (2). Last evaluated 2023-10-25.

Conditions:
Hereditary cancer-predisposing syndrome. Also called: Neoplastic Syndromes, Hereditary; Hereditary Cancer Syndrome; Tumor predisposition; Hereditary neoplastic syndrome. Identifiers: Orphanet 140162, MedGen C0027672, MeSH D009386, MONDO:0015356.
Microcephaly, normal intelligence and immunodeficiency (NBS). Also called: Immunodeficiency, microcephaly with normal intelligence; Ataxia telangiectasia variant V1; IMMUNODEFICIENCY, MICROCEPHALY, AND CHROMOSOMAL INSTABILITY; BERLIN BREAKAGE SYNDROME; SEEMANOVA SYNDROME II; Nijmegen breakage syndrome. Identifiers: Orphanet 647, MedGen C0398791, MONDO:0009623, OMIM 251260.

Submissions (2):

Labcorp Genetics (formerly Invitae), Labcorp
Classification: Pathogenic for Microcephaly, normal intelligence and immunodeficiency. Last evaluated: 2023-10-25. Review status: criteria provided, single submitter. Criteria: Invitae Variant Classification Sherloc (09022015). Collection method: clinical testing. Allele origin: germline.
Comment: This sequence change creates a premature translational stop signal (p.Trp632*) in the NBN gene. It is expected to result in an absent or disrupted protein product. Loss-of-function variants in NBN are known to be pathogenic (PMID: 9590180, 16415040). This variant is not present in population databases (gnomAD no frequency). This variant has not been reported in the literature in individuals affected with NBN-related conditions. ClinVar contains an entry for this variant (Variation ID: 2022242). For these reasons, this variant has been classified as Pathogenic.

Ambry Genetics
Classification: Pathogenic for Hereditary cancer-predisposing syndrome. Last evaluated: 2023-01-09. Review status: criteria provided, single submitter. Criteria: Ambry Variant Classification Scheme 2023. Collection method: clinical testing. Allele origin: germline.
Comment: The p.W632* pathogenic mutation (also known as c.1896G>A), located in coding exon 12 of the NBN gene, results from a G to A substitution at nucleotide position 1896. This changes the amino acid from a tryptophan to a stop codon within coding exon 12. This variant is considered to be rare based on population cohorts in the Genome Aggregation Database (gnomAD). This alteration is expected to result in loss of function by premature protein truncation or nonsense-mediated mRNA decay. As such, this alteration is interpreted as a disease-causing mutation.

Literature cited by the submitters: PubMed 9590180 (cited by Labcorp Genetics (formerly Invitae), Labcorp); PubMed 16415040 (cited by Labcorp Genetics (formerly Invitae), Labcorp).

NM_002485.5(NBN):c.1896G>A (p.Trp632Ter)

Genes: NBN (nibrin; minus strand), LOC126860438 (MED14-independent group 3 enhancer GRCh37_chr8:90959982-90961181; plus strand). Cytogenetic location: 8q21.3.
Variant type: single nucleotide variant.
Coding change: c.1896G>A on transcript NM_002485.5 (MANE Select); coding-DNA position 1896, G replaced by A.
Protein change: p.Trp632Ter; replaces tryptophan 632 with a stop codon.
Molecular consequence: nonsense.
Genome position (GRCh38, 1-based): chr8:89,947,842, C>T on the plus strand (G>A on the coding strand, the complement: NBN is on the minus strand). VCF-style: chr8-89947842-C-T. GRCh37 (hg19) VCF-style: chr8-90960070-C-T.
Other names: c.1650G>A, p.Trp550Ter (NM_001024688.3); short protein forms W550*, W632*.
Identifiers: ClinVar variation 2022242 (VCV002022242.6), dbSNP rs1221760506, ClinGen allele CA371677217.